The following is an entry in ClinVar:

NM_000722.4(CACNA2D1):c.1158G>A (p.Thr386=)

Genes: CACNA2D1 (calcium voltage-gated channel auxiliary subunit alpha2delta 1; minus strand), CACNA2D1-AS1 (CACNA2D1 antisense RNA 1; plus strand). Cytogenetic location: 7q21.11.
Variant type: single nucleotide variant.
Coding change: c.1158G>A on transcript NM_000722.4 (MANE Select); coding-DNA position 1158, G replaced by A.
Protein change: p.Thr386=; no amino-acid change (threonine 386 retained).
Molecular consequence: synonymous variant.
Genome position (GRCh38, 1-based): chr7:82,014,465, C>T on the plus strand (G>A on the coding strand, the complement: CACNA2D1 is on the minus strand). VCF-style: chr7-82014465-C-T. GRCh37 (hg19) VCF-style: chr7-81643781-C-T.
Other names: c.1158G>A, p.Thr386= (NM_001366867.1); c.1158G>A (LRG_437t1).
Identifiers: ClinVar variation 515783 (VCV000515783.7), dbSNP rs753918568, ClinGen allele CA4318119.
Genomic context (GRCh38, chr7:82,014,465, plus strand): 5'-GTTTTCACAGGCCATCCACTGAATAGGTCCTCTGTCATAATTGTGTTGACCAACTGAAAA[C>T]GTGAATACACGTACCTGGATGAATTGAAAAATAGGTATTCATTAGGCTGAATAAAATTTA-3'
Protein context (NP_000713.2, residues 376-396): YNKDKKVRVF[Thr386=]FSVGQHNYDR

ClinVar aggregate classification (germline): Likely benign. Review status: criteria provided, multiple submitters, no conflicts (2 of 4 stars). 3 submissions from 3 submitters: Likely benign (3). Last evaluated 2025-12-02.

Conditions:
Cardiovascular phenotype. Identifiers: MedGen CN230736.
Brugada syndrome. Also called: Sudden unexplained nocturnal death syndrome; Sudden unexpected nocturnal death syndrome; Sudden Unexplained Death Syndrome; Sudden Unexplained Nocturnal Death Syndrome (SUNDS). Identifiers: Orphanet 130, MedGen C1142166, MONDO:0015263.

Allele frequency attached by ClinVar (database versions not stated): gnomAD exomes 0.00001 and 0.00002; ExAC 0.00003; gnomAD 0.00004; TOPMed 0.00005.
gnomAD v4.1: 15 of 1,570,448 alleles (0.00096%); highest among the groups gnomAD compares: African/African-American, 0.0041%; no homozygotes.

Submissions (3):

Labcorp Genetics (formerly Invitae), Labcorp
Classification: Likely benign for Brugada syndrome. Last evaluated: 2025-12-02. Review status: criteria provided, single submitter. Criteria: Invitae Variant Classification Sherloc (09022015). Collection method: clinical testing. Allele origin: germline.

Ambry Genetics
Classification: Likely benign for Cardiovascular phenotype. Last evaluated: 2021-12-08. Review status: criteria provided, single submitter. Criteria: Ambry Variant Classification Scheme 2023. Collection method: clinical testing. Allele origin: germline.

GeneDx
Classification: Likely benign. Last evaluated: 2018-02-27. Review status: criteria provided, single submitter. Criteria: GeneDx Variant Classification (06012015). Collection method: clinical testing. Allele origin: germline. Affected: yes.
Comment: This variant is considered likely benign or benign based on one or more of the following criteria: it is a conservative change, it occurs at a poorly conserved position in the protein, it is predicted to be benign by multiple in silico algorithms, and/or has population frequency not consistent with disease.